The following is an entry in ClinVar:

NM_001142800.2(EYS):c.1915A>T (p.Ile639Phe)

Gene: EYS (EGF-like photoreceptor maintenance factor; minus strand). Cytogenetic location: 6q12.
Variant type: single nucleotide variant.
Coding change: c.1915A>T on transcript NM_001142800.2 (MANE Select); coding-DNA position 1915, A replaced by T.
Protein change: p.Ile639Phe; replaces isoleucine 639 with phenylalanine.
Molecular consequence: missense variant.
Genome position (GRCh38, 1-based): chr6:65,295,971, T>A on the plus strand (A>T on the coding strand, the complement: EYS is on the minus strand). VCF-style: chr6-65295971-T-A. GRCh37 (hg19) VCF-style: chr6-66005864-T-A.
Other names: c.1915A>T, p.Ile639Phe (NM_001292009.2); short protein forms I639F.
Identifiers: ClinVar variation 1473909 (VCV001473909.6), dbSNP rs2150286286, ClinGen allele CA364659531.

ClinVar aggregate classification (germline): Uncertain significance (1 of 4 stars; one submission).

Submission:

Labcorp Genetics (formerly Invitae), Labcorp
Classification: Uncertain significance. Last evaluated: 2022-07-05. Review status: criteria provided, single submitter. Criteria: Invitae Variant Classification Sherloc (09022015). Collection method: clinical testing. Allele origin: germline.
Comment: In summary, the available evidence is currently insufficient to determine the role of this variant in disease. Therefore, it has been classified as a Variant of Uncertain Significance. Algorithms developed to predict the effect of missense changes on protein structure and function output the following: SIFT: "Tolerated"; PolyPhen-2: "Benign"; Align-GVGD: "Class C0". The phenylalanine amino acid residue is found in multiple mammalian species, which suggests that this missense change does not adversely affect protein function. ClinVar contains an entry for this variant (Variation ID: 1473909). This variant has not been reported in the literature in individuals affected with EYS-related conditions. This variant is not present in population databases (gnomAD no frequency). This sequence change replaces isoleucine, which is neutral and non-polar, with phenylalanine, which is neutral and non-polar, at codon 639 of the EYS protein (p.Ile639Phe).